The following is an entry in ClinVar:

ClinVar aggregate classification (germline): Uncertain significance. Review status: criteria provided, multiple submitters, no conflicts (2 of 4 stars). 2 submissions from 2 submitters: Uncertain significance (2). Last evaluated 2024-12-31.

Conditions:
Inborn genetic diseases. Identifiers: MedGen C0950123, MeSH D030342.

gnomAD v4.1: 33 of 1,614,074 alleles (0.002%); highest among the groups gnomAD compares: Admixed American, 0.032%; no homozygotes.

Submissions (2):

Ambry Genetics
Classification: Uncertain significance for Inborn genetic diseases. Last evaluated: 2024-12-31. Review status: criteria provided, single submitter. Criteria: Ambry Variant Classification Scheme 2023. Collection method: clinical testing. Allele origin: germline.

Labcorp Genetics (formerly Invitae), Labcorp
Classification: Uncertain significance. Last evaluated: 2024-07-23. Review status: criteria provided, single submitter. Criteria: Invitae Variant Classification Sherloc (09022015). Collection method: clinical testing. Allele origin: germline.
Comment: This sequence change replaces histidine, which is basic and polar, with tyrosine, which is neutral and polar, at codon 207 of the SLC38A8 protein (p.His207Tyr). This variant is present in population databases (rs201684486, gnomAD 0.05%). This variant has not been reported in the literature in individuals affected with SLC38A8-related conditions. Advanced modeling of protein sequence and biophysical properties (such as structural, functional, and spatial information, amino acid conservation, physicochemical variation, residue mobility, and thermodynamic stability) performed at Invitae indicates that this missense variant is not expected to disrupt SLC38A8 protein function with a negative predictive value of 80%. In summary, the available evidence is currently insufficient to determine the role of this variant in disease. Therefore, it has been classified as a Variant of Uncertain Significance.

NM_001080442.3(SLC38A8):c.619C>T (p.His207Tyr)

Gene: SLC38A8 (solute carrier family 38 member 8; minus strand). Cytogenetic location: 16q23.3.
Variant type: single nucleotide variant.
Coding change: c.619C>T on transcript NM_001080442.3 (MANE Select); coding-DNA position 619, C replaced by T.
Protein change: p.His207Tyr; replaces histidine 207 with tyrosine.
Molecular consequence: missense variant.
Genome position (GRCh38, 1-based): chr16:84,031,880, G>A on the plus strand (C>T on the coding strand, the complement: SLC38A8 is on the minus strand). VCF-style: chr16-84031880-G-A. GRCh37 (hg19) VCF-style: chr16-84065485-G-A.
Other names: c.619C>T (NM_001080442.1); short protein forms H207Y.
Identifiers: ClinVar variation 3630549 (VCV003630549.3).